The following is an entry in ClinVar:

NM_014268.4(MAPRE2):c.846C>T (p.His282=)

Gene: MAPRE2 (microtubule associated protein RP/EB family member 2; plus strand). Cytogenetic location: 18q12.2.
Variant type: single nucleotide variant.
Coding change: c.846C>T on transcript NM_014268.4 (MANE Select); coding-DNA position 846, C replaced by T.
Protein change: p.His282=; no amino-acid change (histidine 282 retained).
Molecular consequence: synonymous variant. On other transcripts: non-coding transcript variant (1).
Genome position (GRCh38, 1-based): chr18:35,132,127, C>T. VCF-style: chr18-35132127-C-T. GRCh37 (hg19) VCF-style: chr18-32712091-C-T.
Other names: c.717C>T, p.His239= (NM_001143826.3); c.810C>T, p.His270= (NM_001143827.3); c.687C>T, p.His229= (NM_001256420.2).
Identifiers: ClinVar variation 788915 (VCV000788915.10), dbSNP rs138635601, ClinGen allele CA8936241.

ClinVar aggregate classification (germline): Benign/Likely benign. Review status: criteria provided, multiple submitters, no conflicts (2 of 4 stars). 2 submissions from 2 submitters: Benign (1); Likely benign (1). Last evaluated 2025-10-01.

Allele frequency attached by ClinVar (database versions not stated): gnomAD exomes 0.00021 and 0.00056; ExAC 0.00071; gnomAD 0.00234 and 0.00252; TOPMed 0.00249; 1000 Genomes Project 0.00280; 1000 Genomes Project 30x 0.00297; ESP Exome Variant Server 0.00315.
gnomAD v4.1: 674 of 1,614,122 alleles (0.042%); highest among the groups gnomAD compares: African/African-American, 0.78%; 1 homozygote.

Submissions (2):

CeGaT Center for Human Genetics Tuebingen
Classification: Likely benign. Last evaluated: 2025-10-01. Review status: criteria provided, single submitter. Criteria: CeGaT Center For Human Genetics Tuebingen Variant Classification Criteria Version 2. Collection method: clinical testing. Allele origin: germline. Affected: yes. Observed: 1 variant allele.
Comment: MAPRE2: BP4, BP7

Labcorp Genetics (formerly Invitae), Labcorp
Classification: Benign. Last evaluated: 2019-12-31. Review status: criteria provided, single submitter. Criteria: Invitae Variant Classification Sherloc (09022015). Collection method: clinical testing. Allele origin: germline.